The following is an entry in ClinVar:

NM_032816.5(CEP89):c.2059C>T (p.Arg687Trp)

Gene: CEP89 (centrosomal protein 89; minus strand). Cytogenetic location: 19q13.11.
Variant type: single nucleotide variant.
Coding change: c.2059C>T on transcript NM_032816.5 (MANE Select); coding-DNA position 2059, C replaced by T.
Protein change: p.Arg687Trp; replaces arginine 687 with tryptophan.
Molecular consequence: missense variant.
Genome position (GRCh38, 1-based): chr19:32,881,920, G>A on the plus strand (C>T on the coding strand, the complement: CEP89 is on the minus strand). VCF-style: chr19-32881920-G-A. GRCh37 (hg19) VCF-style: chr19-33372826-G-A.
Other names: c.2059C>T (NM_032816.3); short protein forms R687W.
Identifiers: ClinVar variation 2901765 (VCV002901765.4), dbSNP rs370350519, ClinGen allele CA9359094.

ClinVar aggregate classification (germline): Uncertain significance. Review status: criteria provided, multiple submitters, no conflicts (2 of 4 stars). 2 submissions from 2 submitters: Uncertain significance (2). Last evaluated 2025-08-26.

Allele frequency attached by ClinVar (database versions not stated): gnomAD exomes 0.00001; ExAC 0.00004; ESP Exome Variant Server 0.00015.
gnomAD v4.1: 29 of 1,605,066 alleles (0.0018%); highest among the groups gnomAD compares: African/African-American, 0.0053%; no homozygotes.

Submissions (2):

Ambry Genetics
Classification: Uncertain significance. Last evaluated: 2025-08-26. Review status: criteria provided, single submitter. Criteria: Ambry Variant Classification Scheme 2023. Collection method: clinical testing. Allele origin: germline.

Labcorp Genetics (formerly Invitae), Labcorp
Classification: Uncertain significance. Last evaluated: 2023-06-20. Review status: criteria provided, single submitter. Criteria: Invitae Variant Classification Sherloc (09022015). Collection method: clinical testing. Allele origin: germline.
Comment: This sequence change replaces arginine, which is basic and polar, with tryptophan, which is neutral and slightly polar, at codon 687 of the CEP89 protein (p.Arg687Trp). The frequency data for this variant in the population databases is considered unreliable, as metrics indicate poor data quality at this position in the gnomAD database. This variant has not been reported in the literature in individuals affected with CEP89-related conditions. An algorithm developed to predict the effect of missense changes on protein structure and function (PolyPhen-2) suggests that this variant is likely to be disruptive. In summary, the available evidence is currently insufficient to determine the role of this variant in disease. Therefore, it has been classified as a Variant of Uncertain Significance.